The following is an entry in ClinVar:

NM_032776.3(JMJD1C):c.1705G>A (p.Val569Ile)

Gene: JMJD1C (jumonji domain containing 1C; minus strand). Cytogenetic location: 10q21.3.
Variant type: single nucleotide variant.
Coding change: c.1705G>A on transcript NM_032776.3 (MANE Select); coding-DNA position 1705, G replaced by A.
Protein change: p.Val569Ile; replaces valine 569 with isoleucine.
Molecular consequence: missense variant. On other transcripts: non-coding transcript variant (1).
Genome position (GRCh38, 1-based): chr10:63,214,462, C>T on the plus strand (G>A on the coding strand, the complement: JMJD1C is on the minus strand). VCF-style: chr10-63214462-C-T. GRCh37 (hg19) VCF-style: chr10-64974222-C-T.
Other names: c.1159G>A, p.Val387Ile (NM_001282948.2, NM_001318154.2); c.841G>A, p.Val281Ile (NM_001318153.2); c.1591G>A, p.Val531Ile (NM_001322252.2); c.1048G>A, p.Val350Ile (NM_001322254.2, NM_001322258.2); short protein forms V281I, V350I, V387I, V531I, V569I.
Identifiers: ClinVar variation 1005054 (VCV001005054.8), dbSNP rs774751391, ClinGen allele CA5518762.
Genomic context (GRCh38, chr10:63,214,462, plus strand): 5'-AGTGATCATTTCCTGAAGAAGCATTTGTAACACTTGATTGGGTTAGATCCACTTTAACTA[C>T]ATCACTGACCCAGCTCTGGTCAGAATCTTTTTTTGCTGTTTCCAAGAATTTTGCATTTGC-3'
Protein context (NP_116165.1, residues 559-579): KDSDQSWVSD[Val569Ile]VKVDLTQSSV

ClinVar aggregate classification (germline): Uncertain significance (1 of 4 stars; one submission).

Conditions:
Early Myoclonic Encephalopathy. Identifiers: MedGen C0270855.

Allele frequency attached by ClinVar (database versions not stated): gnomAD 0.00001 and 0.00002; gnomAD exomes 0.00001; TOPMed below 0.00001; ExAC 0.00001.
gnomAD v4.1: 7 of 1,613,862 alleles (0.00043%); highest among the groups gnomAD compares: Middle Eastern, 0.016%; no homozygotes.

Submission:

Labcorp Genetics (formerly Invitae), Labcorp
Classification: Uncertain significance for Early Myoclonic Encephalopathy. Last evaluated: 2020-06-27. Review status: criteria provided, single submitter. Criteria: Invitae Variant Classification Sherloc (09022015). Collection method: clinical testing. Allele origin: germline.
Comment: In summary, the available evidence is currently insufficient to determine the role of this variant in disease. Therefore, it has been classified as a Variant of Uncertain Significance. Algorithms developed to predict the effect of missense changes on protein structure and function output the following: SIFT: "Deleterious"; PolyPhen-2: "Benign"; Align-GVGD: "Class C0". The isoleucine amino acid residue is found in multiple mammalian species, suggesting that this missense change does not adversely affect protein function. These predictions have not been confirmed by published functional studies and their clinical significance is uncertain. This variant has not been reported in the literature in individuals with JMJD1C-related conditions. This variant is present in population databases (rs774751391, ExAC 0.001%). This sequence change replaces valine with isoleucine at codon 569 of the JMJD1C protein (p.Val569Ile). The valine residue is moderately conserved and there is a small physicochemical difference between valine and isoleucine.